The following is an entry in ClinVar:

NC_000001.10:g.(?_76190473)_(76190522_?)del

Gene: ACADM (acyl-CoA dehydrogenase medium chain; plus strand). Cytogenetic location: 1p31.1.
Variant type: Deletion.
Identifiers: ClinVar variation 3247649 (VCV003247649.1).

ClinVar aggregate classification (germline): Pathogenic (1 of 4 stars; one submission).

Conditions:
Medium-chain acyl-coenzyme A dehydrogenase deficiency (ACADMD). Also called: Medium chain acyl-CoA dehydrogenase deficiency; CARNITINE DEFICIENCY SECONDARY TO MEDIUM-CHAIN ACYL-CoA DEHYDROGENASE DEFICIENCY; MCAD Deficiency; MCADH DEFICIENCY; ACADM DEFICIENCY; MCADD. Identifiers: Orphanet 42, MedGen C0220710, MONDO:0008721, OMIM 201450.

Submission:

Labcorp Genetics (formerly Invitae), Labcorp
Classification: Pathogenic for Medium-chain acyl-coenzyme A dehydrogenase deficiency. Last evaluated: 2023-12-10. Review status: criteria provided, single submitter. Criteria: Invitae Variant Classification Sherloc (09022015). Collection method: clinical testing. Allele origin: unknown.
Comment: This variant is a gross deletion of the genomic region encompassing exon(s) 1 of the ACADM gene, which includes the initiator codon. This deletion extends beyond the assayed region for this gene and therefore may encompass additional genes. It is expected to result in an absent or disrupted protein product. Loss-of-function variants in ACADM are known to be pathogenic (PMID: 16121256, 20434380). This variant has not been reported in the literature in individuals affected with ACADM-related conditions. For these reasons, this variant has been classified as Pathogenic.

Literature cited by the submitters: PubMed 16121256; PubMed 20434380.